The following is an entry in ClinVar:

ClinVar aggregate classification (germline): Benign (1 of 4 stars; one submission).

Submission:

Unidad de Genómica Garrahan, Hospital de Pediatría Garrahan
Classification: Benign. Last evaluated: 2023-11-12. Review status: criteria provided, single submitter. Criteria: ACMG Guidelines, 2015. Collection method: clinical testing. Allele origin: germline. Affected: no. Observed: 21 variant alleles.
Comment: This variant is classified as Benign based on local population frequency. This variant was detected in 22% of patients studied by a panel of primary immunodeficiencies. Number of patients: 21. Only high quality variants are reported.

NM_006254.4(PRKCD):c.315+30_315+31insCGTG

Gene: PRKCD (protein kinase C delta; plus strand). Cytogenetic location: 3p21.1.
Variant type: Insertion.
Coding change: c.315+30_315+31insCGTG on transcript NM_006254.4 (MANE Select); bases 30 to 31 of the intron after coding-DNA position 315, CGTG inserted.
Molecular consequence: intron variant.
Genome position: GRCh38 VCF-style: chr3-53179803-T-TGTGC. GRCh37 (hg19) VCF-style: chr3-53213819-T-TGTGC.
Other names: c.315+30_315+31insCGTG (NM_001354680.2, NM_001354679.2, NM_212539.2 and 1 more transcripts); c.372+30_372+31insCGTG (NM_001354676.2); c.363+30_363+31insCGTG (NM_001354678.2).
Identifiers: ClinVar variation 2628291 (VCV002628291.2), dbSNP rs2107257728, ClinGen allele CA2695197921.